The following is an entry in ClinVar:

NM_001846.4(COL4A2):c.5116C>T (p.Gln1706Ter)

Gene: COL4A2 (collagen type IV alpha 2 chain; plus strand). Cytogenetic location: 13q34.
Variant type: single nucleotide variant.
Coding change: c.5116C>T on transcript NM_001846.4 (MANE Select); coding-DNA position 5116, C replaced by T.
Protein change: p.Gln1706Ter; replaces glutamine 1706 with a stop codon.
Molecular consequence: nonsense.
Genome position (GRCh38, 1-based): chr13:110,512,168, C>T. VCF-style: chr13-110512168-C-T. GRCh37 (hg19) VCF-style: chr13-111164515-C-T.
Other names: short protein forms Q1706*.
Identifiers: ClinVar variation 3682256 (VCV003682256.2).

ClinVar aggregate classification (germline): Uncertain significance (1 of 4 stars; one submission).

gnomAD v4.1: 3 of 1,612,970 alleles (0.00019%); highest among the groups gnomAD compares: Non-Finnish European, 0.00025%; no homozygotes.

Submission:

Labcorp Genetics (formerly Invitae), Labcorp
Classification: Uncertain significance. Last evaluated: 2024-09-09. Review status: criteria provided, single submitter. Criteria: Invitae Variant Classification Sherloc (09022015). Collection method: clinical testing. Allele origin: germline.
Comment: This sequence change creates a premature translational stop signal (p.Gln1706*) in the COL4A2 gene. While this is not anticipated to result in nonsense mediated decay, it is expected to disrupt the last 7 amino acid(s) of the COL4A2 protein. This variant is not present in population databases (gnomAD no frequency). This variant has not been reported in the literature in individuals affected with COL4A2-related conditions. Experimental studies and prediction algorithms are not available or were not evaluated, and the functional significance of this variant is currently unknown. In summary, the available evidence is currently insufficient to determine the role of this variant in disease. Therefore, it has been classified as a Variant of Uncertain Significance.